The following is an entry in ClinVar:

ClinVar aggregate classification (germline): Uncertain significance. Review status: criteria provided, multiple submitters, no conflicts (2 of 4 stars). 3 submissions from 3 submitters: Uncertain significance (3). Last evaluated 2024-11-13.

Conditions:
Hereditary cancer-predisposing syndrome. Also called: Hereditary neoplastic syndrome; Neoplastic Syndromes, Hereditary; Hereditary Cancer Syndrome; Tumor predisposition. Identifiers: Orphanet 140162, MedGen C0027672, MeSH D009386, MONDO:0015356.
Gastrointestinal stromal tumor. Also called: Gastrointestinal stromal tumor, somatic; Gastrointestinal stroma tumor. Identifiers: Orphanet 44890, MedGen C0238198, MeSH D046152, MONDO:0011719, OMIM 606764, HP:0100723.
Pheochromocytoma. Also called: MAX-Related Hereditary Paraganglioma-Pheochromocytoma Syndrome. Identifiers: Orphanet 29072, MedGen C0031511, MONDO:0008233, OMIM 171300, HP:0002666.
Pheochromocytoma/paraganglioma syndrome 4. Also called: SDHB-Related Hereditary Paraganglioma-Pheochromocytoma Syndrome; PARAGANGLIOMA, FAMILIAL MALIGNANT; PARAGANGLIOMAS, HEREDITARY EXTRAADRENAL; PHEOCHROMOCYTOMA, FAMILIAL EXTRAADRENAL; Paragangliomas 4; CAROTID BODY TUMORS AND MULTIPLE EXTRAADRENAL PHEOCHROMOCYTOMAS. Identifiers: Orphanet 29072, MedGen C1861848, MONDO:0007273, OMIM 115310.

Allele frequency attached by ClinVar (database versions not stated): gnomAD exomes below 0.00001.
gnomAD v4.1: 2 of 1,613,690 alleles (0.00012%); highest among the groups gnomAD compares: Non-Finnish European, 0.00017%; no homozygotes.

Submissions (3):

Labcorp Genetics (formerly Invitae), Labcorp
Classification: Uncertain significance for Gastrointestinal stromal tumor; Pheochromocytoma/paraganglioma syndrome 4; Pheochromocytoma. Last evaluated: 2024-11-13. Review status: criteria provided, single submitter. Criteria: Invitae Variant Classification Sherloc (09022015). Collection method: clinical testing. Allele origin: germline.
Comment: This sequence change replaces threonine, which is neutral and polar, with serine, which is neutral and polar, at codon 88 of the SDHB protein (p.Thr88Ser). This variant is not present in population databases (gnomAD no frequency). This variant has not been reported in the literature in individuals affected with SDHB-related conditions. ClinVar contains an entry for this variant (Variation ID: 528735). Invitae Evidence Modeling of protein sequence and biophysical properties (such as structural, functional, and spatial information, amino acid conservation, physicochemical variation, residue mobility, and thermodynamic stability) indicates that this missense variant is not expected to disrupt SDHB protein function with a negative predictive value of 80%. In summary, the available evidence is currently insufficient to determine the role of this variant in disease. Therefore, it has been classified as a Variant of Uncertain Significance.

Ambry Genetics
Classification: Uncertain significance for Hereditary cancer-predisposing syndrome. Last evaluated: 2024-06-08. Review status: criteria provided, single submitter. Criteria: Ambry Variant Classification Scheme 2023. Collection method: clinical testing. Allele origin: germline.
Comment: The p.T88S variant (also known as c.263C>G), located in coding exon 3 of the SDHB gene, results from a C to G substitution at nucleotide position 263. The threonine at codon 88 is replaced by serine, an amino acid with similar properties. This amino acid position is highly conserved in available vertebrate species. In addition, this alteration is predicted to be deleterious by in silico analysis. Since supporting evidence is limited at this time, the clinical significance of this alteration remains unclear.

Baylor Genetics
Classification: Uncertain significance for Gastrointestinal stromal tumor. Last evaluated: 2024-01-04. Review status: criteria provided, single submitter. Criteria: ACMG Guidelines, 2015. Collection method: clinical testing. Allele origin: unknown.

NM_003000.3(SDHB):c.263C>G (p.Thr88Ser)

Gene: SDHB (succinate dehydrogenase complex iron sulfur subunit B; minus strand). Cytogenetic location: 1p36.13.
Variant type: single nucleotide variant.
Coding change: c.263C>G on transcript NM_003000.3 (MANE Select); coding-DNA position 263, C replaced by G.
Protein change: p.Thr88Ser; replaces threonine 88 with serine.
Molecular consequence: missense variant.
Genome position (GRCh38, 1-based): chr1:17,033,083, G>C on the plus strand (C>G on the coding strand, the complement: SDHB is on the minus strand). VCF-style: chr1-17033083-G-C. GRCh37 (hg19) VCF-style: chr1-17359578-G-C.
Other names: short protein forms T88S.
Identifiers: ClinVar variation 528735 (VCV000528735.10), dbSNP rs915794675, ClinGen allele CA18669726.